The following is an entry in ClinVar:

ClinVar aggregate classification (germline): Uncertain significance (1 of 4 stars; one submission).

Submission:

CeGaT Center for Human Genetics Tuebingen
Classification: Uncertain significance. Last evaluated: 2025-07-01. Review status: criteria provided, single submitter. Criteria: CeGaT Center For Human Genetics Tuebingen Variant Classification Criteria Version 2. Collection method: clinical testing. Allele origin: germline. Affected: yes. Observed: 1 variant allele.
Comment: NFASC: PM2, PP2, BP4

NM_001005388.3(NFASC):c.1855C>G (p.Arg619Gly)

Gene: NFASC (neurofascin; plus strand). Cytogenetic location: 1q32.1.
Variant type: single nucleotide variant.
Coding change: c.1855C>G on transcript NM_001005388.3 (MANE Select); coding-DNA position 1855, C replaced by G.
Protein change: p.Arg619Gly; replaces arginine 619 with glycine.
Molecular consequence: missense variant. On other transcripts: intron variant (3).
Genome position (GRCh38, 1-based): chr1:204,977,704, C>G. VCF-style: chr1-204977704-C-G. GRCh37 (hg19) VCF-style: chr1-204946832-C-G.
Other names: c.1888C>G, p.Arg630Gly (NM_001160331.2); c.1855C>G, p.Arg619Gly (NM_001378329.1); c.1864+909C>G (NM_001160332.2, NM_015090.4, NM_001365986.1); short protein forms R619G, R630G.
Identifiers: ClinVar variation 4085594 (VCV004085594.8).